The following is an entry in ClinVar:

ClinVar aggregate classification (germline): Uncertain significance (1 of 4 stars; one submission).

Conditions:
Hereditary cancer-predisposing syndrome. Also called: Tumor predisposition; Neoplastic Syndromes, Hereditary; Hereditary Cancer Syndrome; Hereditary neoplastic syndrome. Identifiers: Orphanet 140162, MedGen C0027672, MeSH D009386, MONDO:0015356.

Submission:

Ambry Genetics
Classification: Uncertain significance for Hereditary cancer-predisposing syndrome. Last evaluated: 2018-10-29. Review status: criteria provided, single submitter. Criteria: Ambry Variant Classification Scheme 2023. Collection method: clinical testing. Allele origin: germline.
Comment: The p.E2145G variant (also known as c.6434A>G), located in coding exon 43 of the ATM gene, results from an A to G substitution at nucleotide position 6434. The glutamic acid at codon 2145 is replaced by glycine, an amino acid with similar properties. This amino acid position is not well conserved in available vertebrate species. In addition, the in silico prediction for this alteration is inconclusive. Since supporting evidence is limited at this time, the clinical significance of this alteration remains unclear.

NM_000051.4(ATM):c.6434A>G (p.Glu2145Gly)

Genes: ATM (ATM serine/threonine kinase; plus strand), C11orf65 (chromosome 11 open reading frame 65; minus strand). Cytogenetic location: 11q22.3.
Variant type: single nucleotide variant.
Coding change: c.6434A>G on transcript NM_000051.4 (MANE Select); coding-DNA position 6434, A replaced by G.
Protein change: p.Glu2145Gly; replaces glutamic acid 2145 with glycine.
Molecular consequence: missense variant. On other transcripts: intron variant (2).
Genome position (GRCh38, 1-based): chr11:108,320,040, A>G. VCF-style: chr11-108320040-A-G. GRCh37 (hg19) VCF-style: chr11-108190767-A-G.
Other names: c.6434A>G, p.Glu2145Gly (NM_001351834.2); c.641-10969T>C (NM_001330368.2); c.*39-10969T>C (NM_001351110.2); short protein forms E2145G.
Identifiers: ClinVar variation 826400 (VCV000826400.6), dbSNP rs1255710647, ClinGen allele CA382553568.